The following is an entry in ClinVar:

ClinVar aggregate classification (germline): Likely benign (0 of 4 stars; one submission).

Conditions:
DOCK6-related disorder. Also called: DOCK6-related condition.

Submission:

PreventionGenetics, part of Exact Sciences
Classification: Likely benign for DOCK6-related condition. Last evaluated: 2024-01-21. Review status: no assertion criteria provided. Collection method: clinical testing. Allele origin: germline.
Comment: This variant is classified as likely benign based on ACMG/AMP sequence variant interpretation guidelines (Richards et al. 2015 PMID: 25741868, with internal and published modifications).

NM_020812.4(DOCK6):c.3933C>T (p.Phe1311=)

Genes: DOCK6 (dedicator of cytokinesis 6; minus strand), DOCK6-AS1 (DOCK6 antisense RNA 1; plus strand). Cytogenetic location: 19p13.2.
Variant type: single nucleotide variant.
Coding change: c.3933C>T on transcript NM_020812.4 (MANE Select); coding-DNA position 3933, C replaced by T.
Protein change: p.Phe1311=; no amino-acid change (phenylalanine 1311 retained).
Molecular consequence: synonymous variant.
Genome position (GRCh38, 1-based): chr19:11,215,889, G>A on the plus strand (C>T on the coding strand, the complement: DOCK6 is on the minus strand). VCF-style: chr19-11215889-G-A. GRCh37 (hg19) VCF-style: chr19-11326565-G-A.
Other names: c.4038C>T, p.Phe1346= (NM_001367830.1).
Identifiers: ClinVar variation 3046738 (VCV003046738.2), dbSNP rs779138084, ClinGen allele CA305312759.